The following is an entry in ClinVar:

NM_138927.4(SON):c.42C>T (p.Val14=)

Gene: SON (SON DNA and RNA binding protein; plus strand). Cytogenetic location: 21q22.11.
Variant type: single nucleotide variant.
Coding change: c.42C>T on transcript NM_138927.4 (MANE Select); coding-DNA position 42, C replaced by T.
Protein change: p.Val14=; no amino-acid change (valine 14 retained).
Molecular consequence: synonymous variant. On other transcripts: non-coding transcript variant (1).
Genome position (GRCh38, 1-based): chr21:33,543,134, C>T. VCF-style: chr21-33543134-C-T. GRCh37 (hg19) VCF-style: chr21-34915440-C-T.
Other names: c.42C>T, p.Val14= (NM_001291411.2, NM_001291412.3, NM_001412132.1 and 4 more transcripts).
Identifiers: ClinVar variation 2019847 (VCV002019847.4), dbSNP rs2517298918, ClinGen allele CA512201495.

ClinVar aggregate classification (germline): Uncertain significance (1 of 4 stars; one submission).

Submission:

Labcorp Genetics (formerly Invitae), Labcorp
Classification: Uncertain significance. Last evaluated: 2023-08-17. Review status: criteria provided, single submitter. Criteria: Invitae Variant Classification Sherloc (09022015). Collection method: clinical testing. Allele origin: germline.
Comment: In summary, the available evidence is currently insufficient to determine the role of this variant in disease. Therefore, it has been classified as a Variant of Uncertain Significance. Algorithms developed to predict the effect of sequence changes on RNA splicing suggest that this variant may create or strengthen a splice site. ClinVar contains an entry for this variant (Variation ID: 2019847). This variant has not been reported in the literature in individuals affected with SON-related conditions. This variant is not present in population databases (gnomAD no frequency). This sequence change affects codon 14 of the SON mRNA. It is a 'silent' change, meaning that it does not change the encoded amino acid sequence of the SON protein.